The following is an entry in ClinVar:

NM_018714.3(COG1):c.701G>A (p.Arg234Lys)

Gene: COG1 (component of oligomeric golgi complex 1; plus strand). Cytogenetic location: 17q25.1.
Variant type: single nucleotide variant.
Coding change: c.701G>A on transcript NM_018714.3 (MANE Select); coding-DNA position 701, G replaced by A.
Protein change: p.Arg234Lys; replaces arginine 234 with lysine.
Molecular consequence: missense variant.
Genome position (GRCh38, 1-based): chr17:73,197,040, G>A. VCF-style: chr17-73197040-G-A. GRCh37 (hg19) VCF-style: chr17-71193179-G-A.
Other names: c.701G>A (NM_018714.2); short protein forms R234K.
Identifiers: ClinVar variation 2047943 (VCV002047943.2), dbSNP rs750285470, ClinGen allele CA8740039.

ClinVar aggregate classification (germline): Uncertain significance. Review status: criteria provided, multiple submitters, no conflicts (2 of 4 stars). 2 submissions from 2 submitters: Uncertain significance (2). Last evaluated 2025-08-05.

Conditions:
Inborn genetic diseases. Identifiers: MedGen C0950123, MeSH D030342.
COG1 congenital disorder of glycosylation (CDG2G). Also called: CONGENITAL DISORDER OF GLYCOSYLATION, TYPE IIg; CDG IIg; CDGII/COG1 CEREBROCOSTOMANDIBULAR-LIKE SYNDROME. Identifiers: Orphanet 263508, MedGen C2931011, MONDO:0012637, OMIM 611209.

Allele frequency attached by ClinVar (database versions not stated): gnomAD exomes below 0.00001; ExAC 0.00001; TOPMed 0.00001.
gnomAD v4.1: 2 of 1,614,200 alleles (0.00012%); highest among the groups gnomAD compares: Admixed American, 0.0033%; no homozygotes.

Submissions (2):

Ambry Genetics
Classification: Uncertain significance for Inborn genetic diseases. Last evaluated: 2025-08-05. Review status: criteria provided, single submitter. Criteria: Ambry Variant Classification Scheme 2023. Collection method: clinical testing. Allele origin: germline.

Labcorp Genetics (formerly Invitae), Labcorp
Classification: Uncertain significance for COG1 congenital disorder of glycosylation. Last evaluated: 2022-03-15. Review status: criteria provided, single submitter. Criteria: Invitae Variant Classification Sherloc (09022015). Collection method: clinical testing. Allele origin: germline.
Comment: This sequence change replaces arginine, which is basic and polar, with lysine, which is basic and polar, at codon 234 of the COG1 protein (p.Arg234Lys). This variant is present in population databases (rs750285470, gnomAD 0.009%). This variant has not been reported in the literature in individuals affected with COG1-related conditions. Algorithms developed to predict the effect of missense changes on protein structure and function (SIFT, PolyPhen-2, Align-GVGD) all suggest that this variant is likely to be disruptive. In summary, the available evidence is currently insufficient to determine the role of this variant in disease. Therefore, it has been classified as a Variant of Uncertain Significance.